The following is an entry in ClinVar:

ClinVar aggregate classification (germline): Benign/Likely benign. Review status: criteria provided, multiple submitters, no conflicts (2 of 4 stars). 5 submissions from 5 submitters: Benign (1); Likely benign (1). 3 of the submissions do not count toward it. Last evaluated 2025-10-29.

Conditions:
IFT172-related disorder. Also called: IFT172-related disorders; IFT172-related condition.
Retinitis pigmentosa 71 (RP71). Identifiers: Orphanet 791, MedGen C4225342, MONDO:0014618, OMIM 616394.
Short-rib thoracic dysplasia 10 with or without polydactyly (SRTD10). Identifiers: Orphanet 474, MedGen C3810175, MONDO:0014284, OMIM 615630.

Allele frequency attached by ClinVar (database versions not stated): TOPMed below 0.00001; gnomAD 0.00009; 1000 Genomes Project 0.00020; gnomAD exomes 0.00035; ExAC 0.00046; 1000 Genomes Project 30x 0.00047.
gnomAD v4.1: 279 of 1,614,106 alleles (0.017%); highest among the groups gnomAD compares: South Asian, 0.29%; 1 homozygote.

Submissions (5):

Labcorp Genetics (formerly Invitae), Labcorp
Classification: Benign for Retinitis pigmentosa 71; Short-rib thoracic dysplasia 10 with or without polydactyly. Last evaluated: 2025-10-29. Review status: criteria provided, single submitter. Criteria: Invitae Variant Classification Sherloc (09022015). Collection method: clinical testing. Allele origin: germline.

Blueprint Genetics
Classification: Likely benign. Last evaluated: 2024-07-31. Review status: criteria provided, single submitter. Criteria: ACMG Guidelines, 2015. Collection method: clinical testing. Allele origin: germline.

PreventionGenetics, part of Exact Sciences
Classification: Likely benign for IFT172-related condition. Last evaluated: 2022-04-12. Review status: no assertion criteria provided. Collection method: clinical testing. Allele origin: germline. Not counted in ClinVar's aggregate classification.
Comment: This variant is classified as likely benign based on ACMG/AMP sequence variant interpretation guidelines (Richards et al. 2015 PMID: 25741868, with internal and published modifications).

Clinical Genetics DNA and cytogenetics Diagnostics Lab, Erasmus MC, Erasmus Medical Center
Classification: Likely benign. Review status: no assertion criteria provided. Collection method: clinical testing. Allele origin: germline. Affected: yes. Study: VKGL Data-share Consensus. Not counted in ClinVar's aggregate classification.

Clinical Genetics, Academic Medical Center
Classification: Likely benign. Review status: no assertion criteria provided. Collection method: clinical testing. Allele origin: germline. Affected: yes. Study: VKGL Data-share Consensus. Not counted in ClinVar's aggregate classification.

NM_015662.3(IFT172):c.3474C>T (p.Phe1158=)

Gene: IFT172 (intraflagellar transport 172; minus strand). Cytogenetic location: 2p23.3.
Variant type: single nucleotide variant.
Coding change: c.3474C>T on transcript NM_015662.3 (MANE Select); coding-DNA position 3474, C replaced by T.
Protein change: p.Phe1158=; no amino-acid change (phenylalanine 1158 retained).
Molecular consequence: synonymous variant.
Genome position (GRCh38, 1-based): chr2:27,454,410, G>A on the plus strand (C>T on the coding strand, the complement: IFT172 is on the minus strand). VCF-style: chr2-27454410-G-A. GRCh37 (hg19) VCF-style: chr2-27677277-G-A.
Other names: c.3474C>T (NM_015662.2).
Identifiers: ClinVar variation 1164113 (VCV001164113.15), dbSNP rs534566990, ClinGen allele CA1579965.
Genomic context (GRCh38, chr2:27,454,410, plus strand): 5'-TCACATGAGGACTGCCTCCTTGGGTTTACCAGCTCTGATGAATTCAGCTTCAGCCTCTTC[G>A]AATTTACCCTACAGGGAGAGAAAGGCAGCCGTGCATGATGAGAAGGAGACTGGCATCACA-3'
Protein context (NP_056477.1, residues 1148-1168): YAMFLEDEGK[Phe1158=]EEAEAEFIRA